The following is an entry in ClinVar:

ClinVar aggregate classification (germline): Likely benign. Review status: criteria provided, multiple submitters, no conflicts (2 of 4 stars). 3 submissions from 3 submitters: Likely benign (3). Last evaluated 2025-04-15.

Conditions:
Primary open angle glaucoma (POAG). Also called: OPTN-related open angle glaucoma. Identifiers: MedGen C0339573, MONDO:0100553, OMIM 137760.
Amyotrophic lateral sclerosis type 12 (ALS12). Also called: AMYOTROPHIC LATERAL SCLEROSIS 12 WITH OR WITHOUT FRONTOTEMPORAL DEMENTIA. Identifiers: Orphanet 803, MedGen C3150692, MONDO:0013264, OMIM 613435.
Glaucoma 1, open angle, E. Identifiers: MedGen C1842026, MONDO:0007665.

Allele frequency attached by ClinVar (database versions not stated): gnomAD 0.00001; TOPMed 0.00002; 1000 Genomes Project 30x 0.00016.
gnomAD v4.1: 66 of 1,614,180 alleles (0.0041%); highest among the groups gnomAD compares: South Asian, 0.047%; 1 homozygote.

Submissions (3):

Athena Diagnostics
Classification: Likely benign. Last evaluated: 2025-04-15. Review status: criteria provided, single submitter. Criteria: Athena Diagnostics Criteria. Collection method: clinical testing. Allele origin: unknown.
Comment: Computational tools yielded predictions that this variant is unlikely to have an effect on normal RNA splicing. This nucleotide position exhibits low evolutionary conservation.

Labcorp Genetics (formerly Invitae), Labcorp
Classification: Likely benign for Primary open angle glaucoma; Glaucoma 1, open angle, E; Amyotrophic lateral sclerosis type 12. Last evaluated: 2024-01-25. Review status: criteria provided, single submitter. Criteria: Invitae Variant Classification Sherloc (09022015). Collection method: clinical testing. Allele origin: germline.

GeneDx
Classification: Likely benign. Last evaluated: 2021-03-17. Review status: criteria provided, single submitter. Criteria: GeneDx Variant Classification Process June 2021. Collection method: clinical testing. Allele origin: germline. Affected: yes.

NM_001008212.2(OPTN):c.1038A>T (p.Ser346=)

Gene: OPTN (optineurin; plus strand). Cytogenetic location: 10p13.
Variant type: single nucleotide variant.
Coding change: c.1038A>T on transcript NM_001008212.2 (MANE Select); coding-DNA position 1038, A replaced by T.
Protein change: p.Ser346=; no amino-acid change (serine 346 retained).
Molecular consequence: synonymous variant.
Genome position (GRCh38, 1-based): chr10:13,125,457, A>T. VCF-style: chr10-13125457-A-T. GRCh37 (hg19) VCF-style: chr10-13167457-A-T.
Other names: c.1038A>T, p.Ser346= (NM_001008211.1, NM_001008213.1, NM_021980.4).
Identifiers: ClinVar variation 1188301 (VCV001188301.8), dbSNP rs181131178, ClinGen allele CA5410843.
Genomic context (GRCh38, chr10:13,125,457, plus strand): 5'-TGAAATCTTGACCTTTCTTAGGTGTCAGGCCCTTGAAAGGAAAAATTCTGCAATTCCATC[A>T]GAGTTGAATGAAAAGCAAGAGCTTGTTTATACTAACAAAAAGTTAGAGCTACAAGTGGAA-3'
Protein context (NP_001008213.1, residues 336-356): ALERKNSAIP[Ser346=]ELNEKQELVY